The following is an entry in ClinVar:

ClinVar aggregate classification (germline): Uncertain significance (1 of 4 stars; one submission).

Conditions:
SBDS-related disorder. Also called: SBDS-related condition.

gnomAD v4.1: 17 of 1,614,182 alleles (0.0011%); highest among the groups gnomAD compares: East Asian, 0.018%; no homozygotes.

Submission:

PreventionGenetics, part of Exact Sciences
Classification: Uncertain significance for SBDS-related condition. Last evaluated: 2025-12-04. Review status: criteria provided, single submitter. Criteria: ACMG Guidelines, 2015. Collection method: clinical testing. Allele origin: germline.
Comment: The SBDS c.218G>C variant is predicted to result in the amino acid substitution p.Ser73Thr. This variant has been reported with other causative variant in SPTA1 gene in an individual with red blood cell membrane disorder (He et al. 2017. PubMed ID: 28694211). This variant has also been reported in the compound heterozygous state in a fetus with growth restriction (Shi et al. 2025. PubMed ID: 40066675). This variant is reported in 0.054% of alleles in individuals of East Asian descent in gnomAD. At this time, the clinical significance of this variant is uncertain due to the absence of conclusive functional and genetic evidence.

NM_016038.4(SBDS):c.218G>C (p.Ser73Thr)

Gene: SBDS (SBDS ribosome maturation factor; minus strand). Cytogenetic location: 7q11.21.
Variant type: single nucleotide variant.
Coding change: c.218G>C on transcript NM_016038.4 (MANE Select); coding-DNA position 218, G replaced by C.
Protein change: p.Ser73Thr; replaces serine 73 with threonine.
Molecular consequence: missense variant.
Genome position (GRCh38, 1-based): chr7:66,994,252, C>G on the plus strand (G>C on the coding strand, the complement: SBDS is on the minus strand). VCF-style: chr7-66994252-C-G. GRCh37 (hg19) VCF-style: chr7-66459239-C-G.
Other names: short protein forms S73T.
Identifiers: ClinVar variation 4994337 (VCV004994337.1).